The following is an entry in ClinVar:

NM_001253852.3(AP4B1):c.217T>A (p.Cys73Ser)

Gene: AP4B1 (adaptor related protein complex 4 subunit beta 1; minus strand). Cytogenetic location: 1p13.2.
Variant type: single nucleotide variant.
Coding change: c.217T>A on transcript NM_001253852.3 (MANE Select); coding-DNA position 217, T replaced by A.
Protein change: p.Cys73Ser; replaces cysteine 73 with serine.
Molecular consequence: missense variant. On other transcripts: intron variant (2).
Genome position (GRCh38, 1-based): chr1:113,902,759, A>T on the plus strand (T>A on the coding strand, the complement: AP4B1 is on the minus strand). VCF-style: chr1-113902759-A-T. GRCh37 (hg19) VCF-style: chr1-114445381-A-T.
Other names: c.217T>A, p.Cys73Ser (NM_006594.5); c.-56-25T>A (NM_001253853.3); c.113+1846T>A (NM_001308312.2); short protein forms C73S.
Identifiers: ClinVar variation 240688 (VCV000240688.8), dbSNP rs552888524, ClinGen allele CA1016161.

ClinVar aggregate classification (germline): Uncertain significance. Review status: criteria provided, multiple submitters, no conflicts (2 of 4 stars). 4 submissions from 4 submitters: Uncertain significance (4). Last evaluated 2024-10-17.

Conditions:
Hereditary spastic paraplegia 47. Also called: adaptor protein 4 (AP-4) deficiency syndrome; Spastic paraplegia 47, autosomal recessive; CEREBRAL PALSY, SPASTIC QUADRIPLEGIC, 5. Identifiers: Orphanet 280763, MedGen C3279738, MONDO:0013551, OMIM 614066.
Inborn genetic diseases. Identifiers: MedGen C0950123, MeSH D030342.

Allele frequency attached by ClinVar (database versions not stated): ExAC 0.00001; gnomAD exomes 0.00005 and 0.00019; 1000 Genomes Project 30x 0.00016; 1000 Genomes Project 0.00020; gnomAD 0.00051 and 0.00053; TOPMed 0.00064.
gnomAD v4.1: 150 of 1,614,230 alleles (0.0093%); highest among the groups gnomAD compares: Admixed American, 0.24%; no homozygotes.

Submissions (4):

Labcorp Genetics (formerly Invitae), Labcorp
Classification: Uncertain significance for Hereditary spastic paraplegia 47. Last evaluated: 2024-10-17. Review status: criteria provided, single submitter. Criteria: Invitae Variant Classification Sherloc (09022015). Collection method: clinical testing. Allele origin: germline.
Comment: This sequence change replaces cysteine, which is neutral and slightly polar, with serine, which is neutral and polar, at codon 73 of the AP4B1 protein (p.Cys73Ser). This variant is present in population databases (rs552888524, gnomAD 0.1%). This variant has not been reported in the literature in individuals affected with AP4B1-related conditions. ClinVar contains an entry for this variant (Variation ID: 240688). Invitae Evidence Modeling of protein sequence and biophysical properties (such as structural, functional, and spatial information, amino acid conservation, physicochemical variation, residue mobility, and thermodynamic stability) indicates that this missense variant is not expected to disrupt AP4B1 protein function with a negative predictive value of 80%. In summary, the available evidence is currently insufficient to determine the role of this variant in disease. Therefore, it has been classified as a Variant of Uncertain Significance.

Genome-Nilou Lab
Classification: Uncertain significance for Hereditary spastic paraplegia 47. Last evaluated: 2023-04-11. Review status: criteria provided, single submitter. Criteria: ACMG Guidelines, 2015. Collection method: clinical testing. Allele origin: germline. Affected: no.

Ambry Genetics
Classification: Uncertain significance for Inborn genetic diseases. Last evaluated: 2021-04-29. Review status: criteria provided, single submitter. Criteria: Ambry Variant Classification Scheme 2023. Collection method: clinical testing. Allele origin: germline.

Breakthrough Genomics
Classification: Uncertain significance. Review status: criteria provided, single submitter. Criteria: ACMG Guidelines, 2015. Collection method: not provided. Allele origin: germline. Inheritance: Autosomal recessive inheritance. Affected: yes.